The following is an entry in ClinVar:

NM_004656.4(BAP1):c.1769A>T (p.Gln590Leu)

Gene: BAP1 (BRCA1 associated deubiquitinase 1; minus strand). Cytogenetic location: 3p21.1.
Variant type: single nucleotide variant.
Coding change: c.1769A>T on transcript NM_004656.4 (MANE Select); coding-DNA position 1769, A replaced by T.
Protein change: p.Gln590Leu; replaces glutamine 590 with leucine.
Molecular consequence: missense variant.
Genome position (GRCh38, 1-based): chr3:52,403,259, T>A on the plus strand (A>T on the coding strand, the complement: BAP1 is on the minus strand). VCF-style: chr3-52403259-T-A. GRCh37 (hg19) VCF-style: chr3-52437275-T-A.
Other names: short protein forms Q590L.
Identifiers: ClinVar variation 412401 (VCV000412401.30), dbSNP rs756472919, ClinGen allele CA2436719.

ClinVar aggregate classification (germline): Conflicting classifications of pathogenicity. Review status: criteria provided, conflicting classifications (1 of 4 stars). 11 submissions from 11 submitters: Uncertain significance (8); Benign (1); Likely benign (2). Last evaluated 2026-03-01.

Conditions:
Hereditary cancer. Identifiers: MedGen C1333600.
BAP1-related disorder. Also called: BAP1-related condition.
Hereditary cancer-predisposing syndrome. Also called: Tumor predisposition; Hereditary neoplastic syndrome; Hereditary Cancer Syndrome; Neoplastic Syndromes, Hereditary. Identifiers: Orphanet 140162, MedGen C0027672, MeSH D009386, MONDO:0015356.
BAP1-related tumor predisposition syndrome (TPDS1). Also called: Tumor susceptibility linked to germline BAP1 mutations; COMMON Syndrome; TUMOR PREDISPOSITION SYNDROME 1; BAP1 tumor predisposition syndrome. Identifiers: Orphanet 289539, MedGen C3280492, MONDO:0013692, OMIM 614327.

Allele frequency attached by ClinVar (database versions not stated): ExAC 0.00001; gnomAD 0.00001; gnomAD exomes 0.00001; TOPMed 0.00001.

Submissions (11):

CeGaT Center for Human Genetics Tuebingen
Classification: Likely benign. Last evaluated: 2026-03-01. Review status: criteria provided, single submitter. Criteria: CeGaT Center For Human Genetics Tuebingen Variant Classification Criteria Version 2. Collection method: clinical testing. Allele origin: germline. Affected: yes. Observed: 1 variant allele.
Comment: BAP1: BP4

PreventionGenetics, part of Exact Sciences
Classification: Uncertain significance for BAP1-related condition. Last evaluated: 2026-01-03. Review status: criteria provided, single submitter. Criteria: ACMG Guidelines, 2015. Collection method: clinical testing. Allele origin: germline.
Comment: The BAP1 c.1769A>T variant is predicted to result in the amino acid substitution p.Gln590Leu. This variant has been reported in an individual with a pancreatic neuroendocrine tumor (pNET) (as c.1769T>A in Table A2, Shindo et al. 2017. PubMed ID: 28767289) and in another individual with a personal and/or family history of cancer (type not specified; Table 7, Cabanillas et al. 2017. PubMed ID: 28717660). This variant is reported in 0.00088% of alleles in individuals of European (non-Finnish) descent in gnomAD and has interpretations ranging from benign to uncertain in ClinVar (Variation ID: 412401). At this time, the clinical significance of this variant is uncertain due to the absence of conclusive functional and genetic evidence.

Labcorp Genetics (formerly Invitae), Labcorp
Classification: Uncertain significance for BAP1-related tumor predisposition syndrome. Last evaluated: 2025-09-14. Review status: criteria provided, single submitter. Criteria: Invitae Variant Classification Sherloc (09022015). Collection method: clinical testing. Allele origin: germline.
Comment: This sequence change replaces glutamine, which is neutral and polar, with leucine, which is neutral and non-polar, at codon 590 of the BAP1 protein (p.Gln590Leu). This variant is present in population databases (rs756472919, gnomAD 0.003%). This missense change has been observed in individual(s) with pancreatic cancer (PMID: 28767289). ClinVar contains an entry for this variant (Variation ID: 412401). Invitae Evidence Modeling of protein sequence and biophysical properties (such as structural, functional, and spatial information, amino acid conservation, physicochemical variation, residue mobility, and thermodynamic stability) indicates that this missense variant is not expected to disrupt BAP1 protein function with a negative predictive value of 80%. In summary, the available evidence is currently insufficient to determine the role of this variant in disease. Therefore, it has been classified as a Variant of Uncertain Significance.

Laboratorio de I+D, Fundación Centro Médico de Asturias
Classification: Benign for Hereditary cancer-predisposing syndrome. Last evaluated: 2025-07-08. Review status: criteria provided, single submitter. Criteria: ACMG Guidelines, 2015. Collection method: clinical testing. Allele origin: germline.
Comment: BS1+BP4_Moderate+BP1

St. Jude Molecular Pathology, St. Jude Children's Research Hospital
Classification: Uncertain significance for BAP1-related tumor predisposition syndrome. Last evaluated: 2025-06-17. Review status: criteria provided, single submitter. Criteria: St. Jude Assertion Criteria 2020. Collection method: clinical testing. Allele origin: germline.
Comment: The BAP1 c.1769A>T p.(Gln590Leu) missense change has a maximum subpopulation frequency of 0.0009% in gnomAD v2.1.1. The in silico tool REVEL predicts a benign effect on protein function, but to our knowledge this prediction has not been confirmed by functional studies. To our knowledge, this variant has not been reported in the literature in individuals with BAP1-related tumor predisposition syndrome. In summary, the evidence currently available is insufficient to determine the clinical significance of this variant. It has therefore been classified as of uncertain significance.

Color Diagnostics, LLC DBA Color Health
Classification: Uncertain significance for Hereditary cancer-predisposing syndrome. Last evaluated: 2025-01-07. Review status: criteria provided, single submitter. Criteria: ACMG Guidelines, 2015. Collection method: clinical testing. Allele origin: germline.
Comment: This missense variant replaces glutamine with leucine at codon 590 of the BAP1 protein. Computational prediction suggests that this variant may not impact protein structure and function. To our knowledge, functional studies have not been reported for this variant. This variant has not been reported in individuals affected with BAP1-related disorders in the literature. This variant has been identified in 2/251362 chromosomes in the general population by the Genome Aggregation Database (gnomAD). The available evidence is insufficient to determine the role of this variant in disease conclusively. Therefore, this variant is classified as a Variant of Uncertain Significance.

Ambry Genetics
Classification: Likely benign for Hereditary cancer-predisposing syndrome. Last evaluated: 2024-09-28. Review status: criteria provided, single submitter. Criteria: Ambry Variant Classification Scheme 2023. Collection method: clinical testing. Allele origin: germline.

Mendelics
Classification: Uncertain significance for Hereditary cancer. Last evaluated: 2024-08-12. Review status: criteria provided, single submitter. Criteria: ACMG Guidelines, 2015. Collection method: clinical testing. Allele origin: unknown.

Baylor Genetics
Classification: Uncertain significance for BAP1-related tumor predisposition syndrome. Last evaluated: 2023-10-01. Review status: criteria provided, single submitter. Criteria: ACMG Guidelines, 2015. Collection method: clinical testing. Allele origin: unknown.

Quest Diagnostics Nichols Institute San Juan Capistrano
Classification: Uncertain significance. Last evaluated: 2023-07-08. Review status: criteria provided, single submitter. Criteria: Quest Diagnostics criteria. Collection method: clinical testing. Allele origin: unknown.
Comment: In the published literature, this variant has been reported in an individual with pancreatic ductal adenocarcinoma (PMID: 28767289 (2017)) as well as an unaffected individual (PMID: 29641532 (2018)). Additionally, the variant has been reported in individuals undergoing cancer testing (PMID: 28717660 (2017)). The frequency of this variant in the general population, 0.000008 (2/251362 chromosomes (Genome Aggregation Database)), is uninformative in the assessment of its pathogenicity. Analysis of this variant using bioinformatics tools for the prediction of the effect of amino acid changes on protein structure and function yielded conflicting predictions that this variant is benign or damaging. Based on the available information, we are unable to determine the clinical significance of this variant.

GeneDx
Classification: Uncertain significance. Last evaluated: 2023-04-26. Review status: criteria provided, single submitter. Criteria: GeneDx Variant Classification Process June 2021. Collection method: clinical testing. Allele origin: germline. Affected: yes.
Comment: Not observed at significant frequency in large population cohorts (gnomAD); In silico analysis supports that this missense variant does not alter protein structure/function; Not observed in any cases, but was observed in unaffected controls from a melanoma study (Pritchard et al., 2018); Observed in an individual with pancreatic neuroendocrine tumor and another individual with metastatic cancer of unspecified type whose tumor also carried a BAP1 deletion (Cabanillas et al., 2017; Shindo et al., 2017); This variant is associated with the following publications: (PMID: 27123562, 28767289, 28717660, 29641532)

Literature cited by the submitters: PubMed 28767289 (cited by 3 submitters); PubMed 28717660 (cited by Ambry Genetics and Quest Diagnostics Nichols Institute San Juan Capistrano); PubMed 29641532 (cited by Ambry Genetics and Quest Diagnostics Nichols Institute San Juan Capistrano).